The following is an entry in ClinVar:

NM_001243133.2(NLRP3):c.2982G>C (p.Gln994His)

Gene: NLRP3 (NLR family pyrin domain containing 3; plus strand). Cytogenetic location: 1q44.
Variant type: single nucleotide variant.
Coding change: c.2982G>C on transcript NM_001243133.2 (MANE Select); coding-DNA position 2982, G replaced by C.
Protein change: p.Gln994His; replaces glutamine 994 with histidine.
Molecular consequence: missense variant.
Genome position (GRCh38, 1-based): chr1:247,444,798, G>C. VCF-style: chr1-247444798-G-C. GRCh37 (hg19) VCF-style: chr1-247608100-G-C.
Other names: c.2982G>C, p.Gln994His (NM_001079821.3); c.2811G>C, p.Gln937His (NM_001127461.3, NM_001127462.3); c.2988G>C, p.Gln996His (NM_004895.5); c.2640G>C, p.Gln880His (NM_183395.3); short protein forms Q880H, Q996H, Q937H, Q994H.
Identifiers: ClinVar variation 946684 (VCV000946684.14), dbSNP rs148150585, ClinGen allele CA1495407.

ClinVar aggregate classification (germline): Conflicting classifications of pathogenicity. Review status: criteria provided, conflicting classifications (1 of 4 stars). 4 submissions from 4 submitters: Uncertain significance (3); Likely benign (1). Last evaluated 2024-11-25.

Conditions:
Inborn genetic diseases. Identifiers: MedGen C0950123, MeSH D030342.
Familial amyloid nephropathy with urticaria AND deafness (MWS). Also called: UDA SYNDROME; URTICARIA-DEAFNESS-AMYLOIDOSIS SYNDROME; MUCKLE-WELLS SYNDROME; CRYOPYRIN-ASSOCIATED PERIODIC SYNDROME 2; Urticaria, deafness and amyloidosis. Identifiers: Orphanet 575, MedGen C0268390, MONDO:0008633, OMIM 191900.
Familial cold autoinflammatory syndrome 1 (FCAS1). Also called: CRYOPYRIN-ASSOCIATED PERIODIC SYNDROME 1; Familial cold inflammatory syndrome 1. Identifiers: Orphanet 47045, MedGen C4551895, MONDO:0007349, OMIM 120100.
Chronic infantile neurological, cutaneous and articular syndrome (CINCA). Also called: Prieur Griscelli syndrome; CRYOPYRIN-ASSOCIATED PERIODIC SYNDROME 3; CINCA syndrome; CHRONIC NEUROLOGIC CUTANEOUS AND ARTICULAR SYNDROME. Identifiers: Orphanet 1451, MedGen C0409818, MONDO:0011776, OMIM 607115.
Keratitis fugax hereditaria. Also called: KERATOENDOTHELIITIS FUGAX HEREDITARIA. Identifiers: Orphanet 647815, MedGen C1835697, MONDO:0007849, OMIM 148200.
Hearing loss, autosomal dominant 34, with or without inflammation. Also called: DEAFNESS, AUTOSOMAL DOMINANT 34, WITH OR WITHOUT INFLAMMATION. Identifiers: MedGen C4521680, MONDO:0033261, OMIM 617772.
Cryopyrin associated periodic syndrome (CAPS). Identifiers: Orphanet 208650, MedGen C2316212, MONDO:0016168.

Allele frequency attached by ClinVar (database versions not stated): ExAC 0.00002; gnomAD exomes 0.00002; TOPMed 0.00005; gnomAD 0.00006; ESP Exome Variant Server 0.00023.
gnomAD v4.1: 95 of 1,613,952 alleles (0.0059%); highest among the groups gnomAD compares: Non-Finnish European, 0.0072%; no homozygotes.

Submissions (4):

Ambry Genetics
Classification: Uncertain significance for Inborn genetic diseases. Last evaluated: 2024-11-25. Review status: criteria provided, single submitter. Criteria: Ambry Variant Classification Scheme 2023. Collection method: clinical testing. Allele origin: germline.

Labcorp Genetics (formerly Invitae), Labcorp
Classification: Uncertain significance for Cryopyrin associated periodic syndrome. Last evaluated: 2024-10-16. Review status: criteria provided, single submitter. Criteria: Invitae Variant Classification Sherloc (09022015). Collection method: clinical testing. Allele origin: germline.
Comment: This sequence change replaces glutamine, which is neutral and polar, with histidine, which is basic and polar, at codon 996 of the NLRP3 protein (p.Gln996His). This variant is present in population databases (rs148150585, gnomAD 0.009%). This variant has not been reported in the literature in individuals affected with NLRP3-related conditions. ClinVar contains an entry for this variant (Variation ID: 946684). Invitae Evidence Modeling of protein sequence and biophysical properties (such as structural, functional, and spatial information, amino acid conservation, physicochemical variation, residue mobility, and thermodynamic stability) indicates that this missense variant is not expected to disrupt NLRP3 protein function with a negative predictive value of 95%. In summary, the available evidence is currently insufficient to determine the role of this variant in disease. Therefore, it has been classified as a Variant of Uncertain Significance.

Fulgent Genetics
Classification: Likely benign for Familial cold autoinflammatory syndrome 1; Keratitis fugax hereditaria; Familial amyloid nephropathy with urticaria AND deafness; Chronic infantile neurological, cutaneous and articular syndrome; Hearing loss, autosomal dominant 34, with or without inflammation. Last evaluated: 2024-02-06. Review status: criteria provided, single submitter. Criteria: ACMG Guidelines, 2015. Collection method: clinical testing. Allele origin: germline.

GeneDx
Classification: Uncertain significance. Last evaluated: 2020-12-31. Review status: criteria provided, single submitter. Criteria: GeneDx Variant Classification Process June 2021. Collection method: clinical testing. Allele origin: germline. Affected: yes.
Comment: In silico analysis supports that this missense variant does not alter protein structure/function; Has not been previously published as pathogenic or benign to our knowledge